The following is an entry in ClinVar:

NM_006852.6(TLK2):c.2089C>G (p.Arg697Gly)

Gene: TLK2 (tousled like kinase 2; plus strand). Cytogenetic location: 17q23.2.
Variant type: single nucleotide variant.
Coding change: c.2089C>G on transcript NM_006852.6 (MANE Select); coding-DNA position 2089, C replaced by G.
Protein change: p.Arg697Gly; replaces arginine 697 with glycine.
Molecular consequence: missense variant.
Genome position (GRCh38, 1-based): chr17:62,612,401, C>G. VCF-style: chr17-62612401-C-G. GRCh37 (hg19) VCF-style: chr17-60689762-C-G.
Other names: c.2155C>G, p.Arg719Gly (NM_001284333.3); c.1993C>G, p.Arg665Gly (NM_001284363.1, NM_001375272.1, NM_001438203.1 and 1 more transcripts); c.1642C>G, p.Arg548Gly (NM_001330418.3, NM_001375273.1); c.2131C>G, p.Arg711Gly (NM_001375269.1); c.2089C>G, p.Arg697Gly (NM_001375270.1, NM_001375271.1); c.1804C>G, p.Arg602Gly (NM_001411074.1); c.1900C>G, p.Arg634Gly (NM_001438205.1); short protein forms R548G, R602G, R634G, R665G, R697G, R711G, R719G.
Identifiers: ClinVar variation 4538643 (VCV004538643.1).
Genomic context (GRCh38, chr17:62,612,401, plus strand): 5'-CAGGGGTGCCAAGACTATCTGCCTCTGTCTTCAAGAAACTCTCCTTTGCAGGCGTTTATT[C>G]GACGATGCTTGGCCTACCGAAAGGAGGACCGCATTGATGTCCAGCAGCTGGCCTGTGATC-3'
Protein context (NP_006843.2, residues 687-707): VVTPEAKAFI[Arg697Gly]RCLAYRKEDR

ClinVar aggregate classification (germline): Uncertain significance (1 of 4 stars; one submission).

Submission:

GeneDx
Classification: Uncertain significance. Last evaluated: 2025-06-17. Review status: criteria provided, single submitter. Criteria: GeneDx Variant Classification Process June 2021. Collection method: clinical testing. Allele origin: germline. Affected: yes.
Comment: Not observed at significant frequency in large population cohorts (gnomAD); In silico analysis supports that this missense variant has a deleterious effect on protein structure/function; Has not been previously published as pathogenic or benign to our knowledge